The following is an entry in ClinVar:

NM_020738.4(KIDINS220):c.298C>T (p.Arg100Cys)

Gene: KIDINS220 (kinase D interacting substrate 220; minus strand). Cytogenetic location: 2p25.1.
Variant type: single nucleotide variant.
Coding change: c.298C>T on transcript NM_020738.4 (MANE Select); coding-DNA position 298, C replaced by T.
Protein change: p.Arg100Cys; replaces arginine 100 with cysteine.
Molecular consequence: missense variant. On other transcripts: non-coding transcript variant (2).
Genome position (GRCh38, 1-based): chr2:8,817,626, G>A on the plus strand (C>T on the coding strand, the complement: KIDINS220 is on the minus strand). VCF-style: chr2-8817626-G-A. GRCh37 (hg19) VCF-style: chr2-8957756-G-A.
Other names: c.298C>T, p.Arg100Cys (NM_001348729.2, NM_001348731.2, NM_001348732.2 and 9 more transcripts); c.172C>T, p.Arg58Cys (NM_001348736.2); short protein forms R100C, R58C.
Identifiers: ClinVar variation 3607037 (VCV003607037.2).

ClinVar aggregate classification (germline): Uncertain significance (1 of 4 stars; one submission).

gnomAD v4.1: 3 of 1,592,222 alleles (0.00019%); highest among the groups gnomAD compares: Non-Finnish European, 0.00017%; no homozygotes.

Submission:

Labcorp Genetics (formerly Invitae), Labcorp
Classification: Uncertain significance. Last evaluated: 2025-02-17. Review status: criteria provided, single submitter. Criteria: Invitae Variant Classification Sherloc (09022015). Collection method: clinical testing. Allele origin: germline.
Comment: This sequence change replaces arginine, which is basic and polar, with cysteine, which is neutral and slightly polar, at codon 100 of the KIDINS220 protein (p.Arg100Cys). This variant is present in population databases (no rsID available, gnomAD 0.0009%). This variant has not been reported in the literature in individuals affected with KIDINS220-related conditions. An algorithm developed to predict the effect of missense changes on protein structure and function (PolyPhen-2) suggests that this variant is likely to be disruptive. In summary, the available evidence is currently insufficient to determine the role of this variant in disease. Therefore, it has been classified as a Variant of Uncertain Significance.